The following is an entry in ClinVar:

ClinVar aggregate classification (germline): Uncertain significance (1 of 4 stars; one submission).

Conditions:
Atrial standstill 1 (ATRST1). Also called: ATRIAL CARDIOMYOPATHY WITH HEART BLOCK; CARDIOMYOPATHY, FAMILIAL, WITH CONDUCTION DISTURBANCE; Atrial standstill, digenic (GJA5/SCN5A). Identifiers: Orphanet 1344, MedGen C4551959, MONDO:0007171, OMIM 108770.
Atrial fibrillation, familial, 11 (ATFB11). Identifiers: MedGen C3279693, MONDO:0013544, OMIM 614049.

Submission:

Labcorp Genetics (formerly Invitae), Labcorp
Classification: Uncertain significance for Atrial fibrillation, familial, 11; Atrial standstill 1. Last evaluated: 2025-06-30. Review status: criteria provided, single submitter. Criteria: Invitae Variant Classification Sherloc (09022015). Collection method: clinical testing. Allele origin: germline.
Comment: This sequence change creates a premature translational stop signal (p.Gly166Alafs*14) in the GJA5 gene. While this is not anticipated to result in nonsense mediated decay, it is expected to disrupt the last 193 amino acid(s) of the GJA5 protein. This variant is not present in population databases (gnomAD no frequency). This variant has not been reported in the literature in individuals affected with GJA5-related conditions. ClinVar contains an entry for this variant (Variation ID: 2927666). Experimental studies and prediction algorithms are not available or were not evaluated, and the functional significance of this variant is currently unknown. In summary, the available evidence is currently insufficient to determine the role of this variant in disease. Therefore, it has been classified as a Variant of Uncertain Significance.

NM_181703.4(GJA5):c.497del (p.Gly166fs)

Gene: GJA5 (gap junction protein alpha 5; minus strand). Cytogenetic location: 1q21.2.
Variant type: Deletion.
Coding change: c.497del on transcript NM_181703.4 (MANE Select); coding-DNA position 497, one base deleted (G; older notation c.497delG).
Protein change: p.Gly166fs; shifts the reading frame from glycine 166.
Molecular consequence: frameshift variant.
Genome position (GRCh38, 1-based): chr1:147,758,742, C deleted on the plus strand (G on the coding strand, the reverse complement: GJA5 is on the minus strand); the first of 3 consecutive C bases (chr1:147,758,742-147,758,744); deleting any one gives the same sequence. VCF-style (leftmost placement, unchanged base first): chr1-147758741-GC-G. GRCh37 (hg19) VCF-style: chr1-147230849-GC-G.
Other names: c.497del, p.Gly166fs (NM_005266.7); short protein forms G166fs.
Identifiers: ClinVar variation 2927666 (VCV002927666.3), dbSNP rs1663850745, ClinGen allele CA1007356081.